The following is an entry in ClinVar:

NM_001099403.2(PRDM8):c.1249GGC[3] (p.Gly420_Gly421del)

Gene: PRDM8 (PR/SET domain 8; plus strand). Cytogenetic location: 4q21.21.
Variant type: Microsatellite.
Coding change: c.1249GGC[3] on transcript NM_001099403.2 (MANE Select); three copies in a row of the 3-base unit GGC starting at c.1249; the reference has five copies in a row; two copies, 6 bases deleted.
Protein change: p.Gly420_Gly421del.
Molecular consequence: inframe deletion.
Genome position (GRCh38, 1-based): chr4:80,202,720-80,202,725, GGCGGC deleted; deleting any 6 consecutive bases within chr4:80,202,711-80,202,725 gives the same sequence; the position shown is the placement nearest the transcript's 3' end. VCF-style (leftmost placement, unchanged base first): chr4-80202710-TGGCGGC-T. GRCh37 (hg19) VCF-style: chr4-81123864-TGGCGGC-T.
Other names: c.1249GGC[3], p.Gly420_Gly421del (NM_020226.4).
Identifiers: ClinVar variation 1364134 (VCV001364134.6), dbSNP rs1024186691, ClinGen allele CA1471293810.

ClinVar aggregate classification (germline): Uncertain significance (1 of 4 stars; one submission).

Conditions:
Early-onset Lafora body disease. Also called: Epilepsy, progressive myoclonic, 10. Identifiers: Orphanet 324290, MedGen C4225258, MONDO:0014717, OMIM 616640.

Submission:

Labcorp Genetics (formerly Invitae), Labcorp
Classification: Uncertain significance for Early-onset Lafora body disease. Last evaluated: 2021-05-01. Review status: criteria provided, single submitter. Criteria: Invitae Variant Classification Sherloc (09022015). Collection method: clinical testing. Allele origin: germline.
Comment: In summary, the available evidence is currently insufficient to determine the role of this variant in disease. Therefore, it has been classified as a Variant of Uncertain Significance. Experimental studies and prediction algorithms are not available or were not evaluated, and the functional significance of this variant is currently unknown. This variant has not been reported in the literature in individuals with PRDM8-related conditions. The frequency data for this variant in the population databases is considered unreliable, as metrics indicate insufficient coverage at this position in the ExAC database. This variant, c.1258_1263del, results in the deletion of 2 amino acid(s) of the PRDM8 protein (p.Gly420_Gly421del), but otherwise preserves the integrity of the reading frame.